The following is an entry in ClinVar:

ClinVar aggregate classification (germline): Uncertain significance (1 of 4 stars; one submission).

Submission:

Labcorp Genetics (formerly Invitae), Labcorp
Classification: Uncertain significance. Last evaluated: 2022-08-31. Review status: criteria provided, single submitter. Criteria: Invitae Variant Classification Sherloc (09022015). Collection method: clinical testing. Allele origin: germline.
Comment: This sequence change replaces lysine, which is basic and polar, with arginine, which is basic and polar, at codon 241 of the SIM1 protein (p.Lys241Arg). In summary, the available evidence is currently insufficient to determine the role of this variant in disease. Therefore, it has been classified as a Variant of Uncertain Significance. Algorithms developed to predict the effect of missense changes on protein structure and function (SIFT, PolyPhen-2, Align-GVGD) all suggest that this variant is likely to be tolerated. This variant has not been reported in the literature in individuals affected with SIM1-related conditions. This variant is not present in population databases (gnomAD no frequency).

NM_005068.3(SIM1):c.722A>G (p.Lys241Arg)

Gene: SIM1 (SIM bHLH transcription factor 1; minus strand). Cytogenetic location: 6q16.3.
Variant type: single nucleotide variant.
Coding change: c.722A>G on transcript NM_005068.3 (MANE Select); coding-DNA position 722, A replaced by G.
Protein change: p.Lys241Arg; replaces lysine 241 with arginine.
Molecular consequence: missense variant.
Genome position (GRCh38, 1-based): chr6:100,448,500, T>C on the plus strand (A>G on the coding strand, the complement: SIM1 is on the minus strand). VCF-style: chr6-100448500-T-C. GRCh37 (hg19) VCF-style: chr6-100896376-T-C.
Other names: c.722A>G, p.Lys241Arg (NM_001374769.1); short protein forms K241R.
Identifiers: ClinVar variation 2121590 (VCV002121590.4), dbSNP rs1353183814, ClinGen allele CA365124351.
Genomic context (GRCh38, chr6:100,448,500, plus strand): 5'-TCAGGCTAGGAGAGGCCCTTTCCGGCCCTGCCCACCCACCTGGAGTCCAGAAAGATGAGC[T>C]TCATGTCCAGGCTGGCGCGGAACATAAACATATTGCTGTGTAGCTTGATCTCCGTGACGG-3'
Protein context (NP_005059.2, residues 231-251): MFMFRASLDM[Lys241Arg]LIFLDSRVAE